The following is an entry in ClinVar:

ClinVar aggregate classification (germline): Pathogenic (1 of 4 stars; one submission).

Submission:

Quest Diagnostics Nichols Institute San Juan Capistrano
Classification: Pathogenic. Last evaluated: 2021-11-03. Review status: criteria provided, single submitter. Criteria: ACMG/ClinGen CNV Guidelines, 2019. Collection method: clinical testing. Allele origin: unknown.
Comment: The terminal copy number loss of 6q26q27 involves numerous protein-coding genes, including DLL1 (OMIM 606582) and ERMARD (formerly C6orf70; OMIM 615532), and is expected to cause developmental and/or phenotypic abnormalities. Terminal 6q27 deletions have been identified in many patients with structural brain abnormalities including ventriculomegaly, agenesis/dysgenesis of the corpus callosum, hydrocephalus, periventricular nodular heterotopia, and cerebellar malformations, as well as an increased risk for hypotonia, developmental delay, and seizures. Of note, there have been multiple reports of deletions in this region being transmitted from affected parents to affected offspring, in addition to the many reports of de novo events (Kaminsky 2011, Peddibhotla 2015, Hanna 2019, Heide 2017, Bhatta 2020, Cinque 2017, Schumann 2016). More than one gene in this region contribute to the development of structural brain abnormalities, including DLL1 and ERMARD (Fischer-Zirnsak 2019, Conti 2013). Haploinsufficiency of DLL1 is associated with an autosomal dominant neurodevelopmental disorder with nonspecific brain abnormalities and with or without seizures (OMIM 618709) that has a significant clinical overlap with terminal 6q27 deletions. Additionally, a single heterozygous missense variant of ERMARD has been provisionally associated with autosomal dominant periventricular nodular heterotopia-6 (Conti 2013). References: Kaminsky et al., Genet Med. 2011 Sep;13(9):777-84. PMID: 21844811. Peddibhotla et al., Eur J Hum Genet. 2015 Jan;23(1):54-60. PMID: 24736736. Hanna et al., Mol Syndromol. 2019 Jul;10(4):202-208. PMID: 31602192. Heide et al., J Pediatr. 2017 Jun;185:160-166.e1. PMID: 28284480. Bhatta et al., Cureus. 2020 May 13;12(5):e8103. PMID: 32542158. Cinque et al., Front Genet. 2017 Dec 6;8:206. PMID: 29270193. Schumann et al., J Neurodev Disord. 2016 Apr 15;8:11. PMID: 27087860. Conti et al., Brain. 2013 Nov;136(Pt 11):3378-94. PMID: 24056535. Thakur et al., Am J Med Genet A. 2018 Sep;176(9):1985-1990. PMID: 30194807. Fischer-Zirnsak et al., Am J Hum Genet. 2019 Sep 5;105(3):631-639. PMID: 31353024.

GRCh37/hg19 6q26-27(chr6:163181847-170919482)x1

Genes: C6orf120 (chromosome 6 open reading frame 120; plus strand), CCR6 (C-C motif chemokine receptor 6; plus strand), THBS2 (thrombospondin 2; minus strand), TTLL2 (tubulin tyrosine ligase like 2; plus strand), PACRG (parkin coregulated; plus strand) and 29 more. Cytogenetic location: 6q26-27.
Variant type: copy number loss.
Change: copy number 1 (one copy instead of two) of chr6:163,181,847-170,919,482 (7.74 Mb, GRCh37 coordinates, 1-based), cytogenetic band 6q26-27.
Identifiers: ClinVar variation 1807798 (VCV001807798.1).